The following is an entry in ClinVar:

ClinVar aggregate classification (germline): Uncertain significance. Review status: criteria provided, multiple submitters, no conflicts (2 of 4 stars). 2 submissions from 2 submitters: Uncertain significance (2). Last evaluated 2025-09-12.

Conditions:
Hereditary cancer-predisposing syndrome. Also called: Tumor predisposition; Hereditary neoplastic syndrome; Neoplastic Syndromes, Hereditary; Hereditary Cancer Syndrome. Identifiers: Orphanet 140162, MedGen C0027672, MeSH D009386, MONDO:0015356.
EGFR-related lung cancer (EGFR). Identifiers: MedGen CN130014.

Allele frequency attached by ClinVar (database versions not stated): gnomAD exomes below 0.00001.
gnomAD v4.1: 2 of 1,614,184 alleles (0.00012%); highest among the groups gnomAD compares: East Asian, 0.0022%; no homozygotes.

Submissions (2):

Labcorp Genetics (formerly Invitae), Labcorp
Classification: Uncertain significance for EGFR-related lung cancer. Last evaluated: 2025-09-12. Review status: criteria provided, single submitter. Criteria: Invitae Variant Classification Sherloc (09022015). Collection method: clinical testing. Allele origin: germline.
Comment: This sequence change replaces glutamic acid, which is acidic and polar, with lysine, which is basic and polar, at codon 1180 of the EGFR protein (p.Glu1180Lys). This variant is not present in population databases (gnomAD no frequency). This variant has not been reported in the literature in individuals affected with EGFR-related conditions. ClinVar contains an entry for this variant (Variation ID: 862551). An algorithm developed to predict the effect of missense changes on protein structure and function (PolyPhen-2) suggests that this variant is likely to be tolerated. In summary, the available evidence is currently insufficient to determine the role of this variant in disease. Therefore, it has been classified as a Variant of Uncertain Significance.

Ambry Genetics
Classification: Uncertain significance for Hereditary cancer-predisposing syndrome. Last evaluated: 2024-12-29. Review status: criteria provided, single submitter. Criteria: Ambry Variant Classification Scheme 2023. Collection method: clinical testing. Allele origin: germline.
Comment: The p.E1180K variant (also known as c.3538G>A), located in coding exon 28 of the EGFR gene, results from a G to A substitution at nucleotide position 3538. The glutamic acid at codon 1180 is replaced by lysine, an amino acid with similar properties. This amino acid position is conserved. In addition, this alteration is predicted to be tolerated by in silico analysis. Based on the available evidence, the clinical significance of this variant remains unclear.

NM_005228.5(EGFR):c.3538G>A (p.Glu1180Lys)

Gene: EGFR (epidermal growth factor receptor; plus strand). Cytogenetic location: 7p11.2.
Variant type: single nucleotide variant.
Coding change: c.3538G>A on transcript NM_005228.5 (MANE Select); coding-DNA position 3538, G replaced by A.
Protein change: p.Glu1180Lys; replaces glutamic acid 1180 with lysine.
Molecular consequence: missense variant.
Genome position (GRCh38, 1-based): chr7:55,205,522, G>A. VCF-style: chr7-55205522-G-A. GRCh37 (hg19) VCF-style: chr7-55273215-G-A.
Other names: c.3403G>A, p.Glu1135Lys (NM_001346899.2); c.3379G>A, p.Glu1127Lys (NM_001346900.2); c.2737G>A, p.Glu913Lys (NM_001346941.2); short protein forms E1127K, E1135K, E913K, E1180K.
Identifiers: ClinVar variation 862551 (VCV000862551.10), dbSNP rs1788075588, ClinGen allele CA367584848.